The following is an entry in ClinVar:

ClinVar aggregate classification (germline): Uncertain significance. Review status: criteria provided, single submitter (1 of 4 stars). 2 submissions from 2 submitters: Uncertain significance (1). 1 of the submissions does not count toward it. Last evaluated 2025-08-05.

Conditions:
PLXNA1-related disorder. Also called: PLXNA1-related condition.

gnomAD v4.1: 1 of 1,609,260 alleles (0.000062%); highest among the groups gnomAD compares: Non-Finnish European, 0.000085%; no homozygotes.

Submissions (2):

Ambry Genetics
Classification: Uncertain significance. Last evaluated: 2025-08-05. Review status: criteria provided, single submitter. Criteria: Ambry Variant Classification Scheme 2023. Collection method: clinical testing. Allele origin: germline.

PreventionGenetics, part of Exact Sciences
Classification: Uncertain significance for PLXNA1-related condition. Last evaluated: 2024-07-02. Review status: no assertion criteria provided. Collection method: clinical testing. Allele origin: germline. Not counted in ClinVar's aggregate classification.
Comment: The PLXNA1 c.2648C>G variant is predicted to result in the amino acid substitution p.Thr883Ser. To our knowledge, this variant has not been reported in the literature or in a large population database, indicating this variant is rare. At this time, the clinical significance of this variant is uncertain due to the absence of conclusive functional and genetic evidence.

NM_032242.4(PLXNA1):c.2648C>G (p.Thr883Ser)

Gene: PLXNA1 (plexin A1; plus strand). Cytogenetic location: 3q21.3.
Variant type: single nucleotide variant.
Coding change: c.2648C>G on transcript NM_032242.4 (MANE Select); coding-DNA position 2648, C replaced by G.
Protein change: p.Thr883Ser; replaces threonine 883 with serine.
Molecular consequence: missense variant.
Genome position (GRCh38, 1-based): chr3:127,014,521, C>G. VCF-style: chr3-127014521-C-G. GRCh37 (hg19) VCF-style: chr3-126733364-C-G.
Other names: short protein forms T883S.
Identifiers: ClinVar variation 3345528 (VCV003345528.2).